The following is an entry in ClinVar:

NM_014915.3(ANKRD26):c.2266dup (p.Met756fs)

Gene: ANKRD26 (ankyrin repeat domain 26; minus strand). Cytogenetic location: 10p12.1.
Variant type: Duplication.
Coding change: c.2266dup on transcript NM_014915.3 (MANE Select); coding-DNA position 2266, one base duplicated (A; older notation c.2266dupA).
Protein change: p.Met756fs; shifts the reading frame from methionine 756.
Molecular consequence: frameshift variant.
Genome position (GRCh38, 1-based): chr10:27,040,074, T duplicated on the plus strand (A on the coding strand, the reverse complement: ANKRD26 is on the minus strand); the first of 7 consecutive T bases (chr10:27,040,074-27,040,080); duplicating any one gives the same sequence. VCF-style (leftmost placement, unchanged base first): chr10-27040073-A-AT. GRCh37 (hg19) VCF-style: chr10-27329002-A-AT.
Other names: c.2263dup, p.Met755fs (NM_001256053.2); short protein forms M756fs, M755fs.
Identifiers: ClinVar variation 2897662 (VCV002897662.3), dbSNP rs1358981338, ClinGen allele CA592376731.

ClinVar aggregate classification (germline): Uncertain significance (1 of 4 stars; one submission).

Submission:

Labcorp Genetics (formerly Invitae), Labcorp
Classification: Uncertain significance. Last evaluated: 2023-11-28. Review status: criteria provided, single submitter. Criteria: Invitae Variant Classification Sherloc (09022015). Collection method: clinical testing. Allele origin: germline.
Comment: This sequence change creates a premature translational stop signal (p.Met756Asnfs*6) in the ANKRD26 gene. It is expected to result in an absent or disrupted protein product. However, the current clinical and genetic evidence is not sufficient to establish whether loss-of-function variants in ANKRD26 cause disease. This variant is present in population databases (no rsID available, gnomAD 0.009%). This variant has not been reported in the literature in individuals affected with ANKRD26-related conditions. In summary, the available evidence is currently insufficient to determine the role of this variant in disease. Therefore, it has been classified as a Variant of Uncertain Significance.